The following is an entry in ClinVar:

ClinVar aggregate classification (germline): Benign (1 of 4 stars; one submission).

Conditions:
Cone-rod dystrophy 15 (CORD15). Identifiers: MedGen C3150912, MONDO:0013348, OMIM 613660.

Allele frequency attached by ClinVar (database versions not stated): gnomAD exomes 0.00067; gnomAD 0.00877 and 0.00938; TOPMed 0.00987; 1000 Genomes Project 0.01138; 1000 Genomes Project 30x 0.01140.
gnomAD v4.1: 1,883 of 984,994 alleles (0.19%); highest among the groups gnomAD compares: African/African-American, 3.1%; 32 homozygotes.

Submission:

Illumina Laboratory Services, Illumina
Classification: Benign for Cone-rod dystrophy 15. Last evaluated: 2017-04-27. Review status: criteria provided, single submitter. Criteria: ICSL Variant Classification Criteria 13 December 2019. Collection method: clinical testing. Allele origin: germline.
Comment: This variant was observed as part of a predisposition screen in an ostensibly healthy population. A literature search was performed for the gene, cDNA change, and amino acid change (where applicable). No publications were found based on this search. Allele frequency data from public databases was too high to be consistent with this variant causing disease. Therefore, this variant is classified as benign.

NM_033100.4(CDHR1):c.*1360C>A

Gene: CDHR1 (cadherin related family member 1; plus strand). Cytogenetic location: 10q23.1.
Variant type: single nucleotide variant.
Coding change: c.*1360C>A on transcript NM_033100.4 (MANE Select); 1360 bases downstream of the stop codon, C replaced by A.
Molecular consequence: 3 prime UTR variant. On other transcripts: intron variant (1).
Genome position (GRCh38, 1-based): chr10:84,215,981, C>A. VCF-style: chr10-84215981-C-A. GRCh37 (hg19) VCF-style: chr10-85975737-C-A.
Other names: c.2040+2633C>A (NM_001171971.3).
Identifiers: ClinVar variation 879915 (VCV000879915.4), dbSNP rs73317918, ClinGen allele CA210388248.